The following is an entry in ClinVar:

NM_001375524.1(TRRAP):c.5554C>A (p.His1852Asn)

Gene: TRRAP (transformation/transcription domain associated protein; plus strand). Cytogenetic location: 7q22.1.
Variant type: single nucleotide variant.
Coding change: c.5554C>A on transcript NM_001375524.1 (MANE Select); coding-DNA position 5554, C replaced by A.
Protein change: p.His1852Asn; replaces histidine 1852 with asparagine.
Molecular consequence: missense variant.
Genome position (GRCh38, 1-based): chr7:98,953,257, C>A. VCF-style: chr7-98953257-C-A. GRCh37 (hg19) VCF-style: chr7-98550880-C-A.
Other names: c.5533C>A, p.His1845Asn (NM_001244580.2); c.5479C>A, p.His1827Asn (NM_003496.4); short protein forms H1827N, H1845N, H1852N.
Identifiers: ClinVar variation 3372748 (VCV003372748.1).
Genomic context (GRCh38, chr7:98,953,257, plus strand): 5'-CTGGACTCGCTGCGGATCTACCTGCTGCAGTACGCCACGCTGCTGGTGGAGCACGCCCCC[C>A]ACCACATCCATGACAACAACAAGAACCGCAACAGCAAGCTGCGCCGCCTCATGACCTTCG-3'
Protein context (NP_001362453.1, residues 1842-1862): YATLLVEHAP[His1852Asn]HIHDNNKNRN

ClinVar aggregate classification (germline): Uncertain significance (1 of 4 stars; one submission).

gnomAD v4.1: 1 of 1,613,816 alleles (0.000062%); highest among the groups gnomAD compares: South Asian, 0.0011%; no homozygotes.

Submission:

GeneDx
Classification: Uncertain significance. Last evaluated: 2024-04-17. Review status: criteria provided, single submitter. Criteria: GeneDx Variant Classification Process June 2021. Collection method: clinical testing. Allele origin: germline. Affected: yes.
Comment: Not observed at significant frequency in large population cohorts (gnomAD); In silico analysis supports that this missense variant has a deleterious effect on protein structure/function; Has not been previously published as pathogenic or benign to our knowledge